The following is an entry in ClinVar:

ClinVar aggregate classification (germline): Likely benign (1 of 4 stars; one submission).

Allele frequency attached by ClinVar (database versions not stated): gnomAD exomes 0.00001; TOPMed 0.00001.
gnomAD v4.1: 3 of 1,207,161 alleles (0.00025%); highest among the groups gnomAD compares: Non-Finnish European, 0.00022%; no homozygotes.

Submission:

GeneDx
Classification: Likely benign. Last evaluated: 2018-03-16. Review status: criteria provided, single submitter. Criteria: GeneDx Variant Classification (06012015). Collection method: clinical testing. Allele origin: germline. Affected: yes.
Comment: This variant is considered likely benign or benign based on one or more of the following criteria: it is a conservative change, it occurs at a poorly conserved position in the protein, it is predicted to be benign by multiple in silico algorithms, and/or has population frequency not consistent with disease.

NM_001278116.2(L1CAM):c.1379+7G>A

Gene: L1CAM (L1 cell adhesion molecule; minus strand). Cytogenetic location: Xq28.
Variant type: single nucleotide variant.
Coding change: c.1379+7G>A on transcript NM_001278116.2 (MANE Select); 7 bases into the intron after coding-DNA position 1379, G replaced by A.
Molecular consequence: intron variant.
Genome position (GRCh38, 1-based): chrX:153,868,834, C>T on the plus strand (G>A on the coding strand, the complement: L1CAM is on the minus strand). VCF-style: chrX-153868834-C-T. GRCh37 (hg19) VCF-style: chrX-153134289-C-T.
Other names: c.1364+7G>A (NM_001143963.2); c.1379+7G>A (NM_024003.3, NM_000425.5).
Identifiers: ClinVar variation 681124 (VCV000681124.1), dbSNP rs1557092040, ClinGen allele CA645151805.